The following is an entry in ClinVar:

NM_000719.7(CACNA1C):c.5570A>G (p.Glu1857Gly)

Genes: CACNA1C (calcium voltage-gated channel subunit alpha1 C; plus strand), CACNA1C-AS1 (CACNA1C antisense RNA 1; minus strand). Cytogenetic location: 12p13.33.
Variant type: single nucleotide variant.
Coding change: c.5570A>G on transcript NM_000719.7 (MANE Select); coding-DNA position 5570, A replaced by G.
Protein change: p.Glu1857Gly; replaces glutamic acid 1857 with glycine.
Molecular consequence: missense variant.
Genome position (GRCh38, 1-based): chr12:2,682,675, A>G. VCF-style: chr12-2682675-A-G. GRCh37 (hg19) VCF-style: chr12-2791841-A-G.
Other names: c.5750A>G, p.Glu1917Gly (NM_001167625.2); c.5819A>G, p.Glu1940Gly (NM_199460.4); c.5714A>G, p.Glu1905Gly (NM_001129827.2); c.5693A>G, p.Glu1898Gly (NM_001129829.2); c.5675A>G, p.Glu1892Gly (NM_001129830.3, NM_001167624.3); c.5654A>G, p.Glu1885Gly (NM_001129831.2); c.5630A>G, p.Glu1877Gly (NM_001129832.2); c.5627A>G, p.Glu1876Gly (NM_001129833.2, NM_001129834.2, NM_001129835.2); and 6 more; short protein forms E1854G, E1857G, E1892G, E1905G, E1940G, E1863G, E1846G, E1865G.
Identifiers: ClinVar variation 2121241 (VCV002121241.4), dbSNP rs1234302404, ClinGen allele CA383381140.

ClinVar aggregate classification (germline): Uncertain significance (1 of 4 stars; one submission).

Conditions:
Long QT syndrome (LQTS). Identifiers: MedGen C0023976, MeSH D008133, MONDO:0002442. Disease mechanism: loss of function. Inheritance: Various modes of inheritance.

Submission:

Labcorp Genetics (formerly Invitae), Labcorp
Classification: Uncertain significance for Long QT syndrome. Last evaluated: 2022-04-04. Review status: criteria provided, single submitter. Criteria: Invitae Variant Classification Sherloc (09022015). Collection method: clinical testing. Allele origin: germline.
Comment: This sequence change replaces glutamic acid, which is acidic and polar, with glycine, which is neutral and non-polar, at codon 1857 of the CACNA1C protein (p.Glu1857Gly). This variant is not present in population databases (gnomAD no frequency). This variant has not been reported in the literature in individuals affected with CACNA1C-related conditions. Algorithms developed to predict the effect of missense changes on protein structure and function (SIFT, PolyPhen-2, Align-GVGD) all suggest that this variant is likely to be tolerated. In summary, the available evidence is currently insufficient to determine the role of this variant in disease. Therefore, it has been classified as a Variant of Uncertain Significance.